The following is an entry in ClinVar:

NM_080424.4(SP110):c.1103_1109del (p.Pro368fs)

Genes: SP140 (SP140 nuclear body protein; plus strand), SP110 (SP110 nuclear body protein; minus strand). Cytogenetic location: 2q37.1.
Variant type: Deletion.
Coding change: c.1103_1109del on transcript NM_080424.4 (MANE Select); coding-DNA positions 1103 to 1109, 7 bases deleted (CTAGTAC; older notation c.1103_1109delCTAGTAC).
Protein change: p.Pro368fs; shifts the reading frame from proline 368.
Molecular consequence: frameshift variant.
Genome position (GRCh38, 1-based): chr2:230,200,905-230,200,911, GTACTAG deleted on the plus strand (CTAGTAC on the coding strand, the reverse complement: SP110 is on the minus strand); deleting any 7 consecutive bases within chr2:230,200,905-230,200,912 gives the same sequence; the c. name uses the placement nearest the transcript's 3' end. VCF-style (leftmost placement, unchanged base first): chr2-230200904-TGTACTAG-T. GRCh37 (hg19) VCF-style: chr2-231065620-TGTACTAG-T.
Other names: c.1121_1127del, p.Pro374fs (NM_001185015.2, NM_001378442.1, NM_001378444.1 and 2 more transcripts); c.1103_1109del, p.Pro368fs (NM_001378443.1, NM_004509.5, NM_004510.4); c.953_959del, p.Pro318fs (NM_001378447.1); short protein forms P318fs, P368fs, P374fs.
Identifiers: ClinVar variation 3660756 (VCV003660756.2).

ClinVar aggregate classification (germline): Pathogenic (1 of 4 stars; one submission).

Conditions:
Hepatic veno-occlusive disease-immunodeficiency syndrome. Also called: Hepatic Veno-Occlusive Disease with Immunodeficiency. Identifiers: Orphanet 79124, MedGen C1856128, MONDO:0009338, OMIM 235550. Disease mechanism: loss of function.

Submission:

Labcorp Genetics (formerly Invitae), Labcorp
Classification: Pathogenic for Hepatic veno-occlusive disease-immunodeficiency syndrome. Last evaluated: 2024-07-29. Review status: criteria provided, single submitter. Criteria: Invitae Variant Classification Sherloc (09022015). Collection method: clinical testing. Allele origin: germline.
Comment: This sequence change creates a premature translational stop signal (p.Pro368Hisfs*26) in the SP110 gene. It is expected to result in an absent or disrupted protein product. Loss-of-function variants in SP110 are known to be pathogenic (PMID: 16648851, 22621957). This variant is not present in population databases (gnomAD no frequency). This variant has not been reported in the literature in individuals affected with SP110-related conditions. For these reasons, this variant has been classified as Pathogenic.

Literature cited by the submitters: PubMed 16648851; PubMed 22621957.